The following is an entry in ClinVar:

NM_000051.4(ATM):c.6504G>T (p.Ser2168=)

Genes: ATM (ATM serine/threonine kinase; plus strand), C11orf65 (chromosome 11 open reading frame 65; minus strand). Cytogenetic location: 11q22.3.
Variant type: single nucleotide variant.
Coding change: c.6504G>T on transcript NM_000051.4 (MANE Select); coding-DNA position 6504, G replaced by T.
Protein change: p.Ser2168=; no amino-acid change (serine 2168 retained).
Molecular consequence: synonymous variant. On other transcripts: intron variant (2).
Genome position (GRCh38, 1-based): chr11:108,321,352, G>T. VCF-style: chr11-108321352-G-T. GRCh37 (hg19) VCF-style: chr11-108192079-G-T.
Other names: c.6504G>T, p.Ser2168= (NM_001351834.2); c.641-12281C>A (NM_001330368.2); c.*39-12281C>A (NM_001351110.2).
Identifiers: ClinVar variation 1753931 (VCV001753931.3), dbSNP rs786203522, ClinGen allele CA476676182.

ClinVar aggregate classification (germline): Benign/Likely benign. Review status: criteria provided, multiple submitters, no conflicts (2 of 4 stars). 2 submissions from 2 submitters: Benign (1); Likely benign (1). Last evaluated 2024-06-06.

Conditions:
Familial cancer of breast. Also called: Hereditary breast cancer; hereditary breast carcinoma; BREAST CANCER, FAMILIAL. Identifiers: Orphanet 227535, MedGen C0346153, MONDO:0016419, OMIM 114480. Disease mechanism: loss of function.
Hereditary cancer-predisposing syndrome. Also called: Hereditary neoplastic syndrome; Neoplastic Syndromes, Hereditary; Tumor predisposition; Hereditary Cancer Syndrome. Identifiers: Orphanet 140162, MedGen C0027672, MeSH D009386, MONDO:0015356.

Submissions (2):

Myriad Genetics, Inc.
Classification: Benign for Familial cancer of breast. Last evaluated: 2024-06-06. Review status: criteria provided, single submitter. Criteria: Myriad Autosomal Dominant, Autosomal Recessive and X-Linked Classification Criteria (2023). Collection method: clinical testing. Allele origin: unknown.
Comment: This variant is considered benign. This variant is a silent/synonymous amino acid change and it is not expected to impact splicing.

Ambry Genetics
Classification: Likely benign for Hereditary cancer-predisposing syndrome. Last evaluated: 2021-10-02. Review status: criteria provided, single submitter. Criteria: Ambry Variant Classification Scheme 2023. Collection method: clinical testing. Allele origin: germline.